The following is an entry in ClinVar:

ClinVar aggregate classification (germline): Uncertain significance. Review status: criteria provided, multiple submitters, no conflicts (2 of 4 stars). 2 submissions from 2 submitters: Uncertain significance (2). Last evaluated 2023-11-07.

Conditions:
Inborn genetic diseases. Identifiers: MedGen C0950123, MeSH D030342.

Allele frequency attached by ClinVar (database versions not stated): gnomAD exomes 0.00001.
gnomAD v4.1: 8 of 1,611,776 alleles (0.0005%); highest among the groups gnomAD compares: Non-Finnish European, 0.00059%; no homozygotes.

Submissions (2):

Mayo Clinic Laboratories, Mayo Clinic
Classification: Uncertain significance. Last evaluated: 2023-11-07. Review status: criteria provided, single submitter. Criteria: ACMG Guidelines, 2015. Collection method: clinical testing. Allele origin: germline. Observed: 1 variant allele.
Comment: PM2_moderate

Ambry Genetics
Classification: Uncertain significance for Inborn genetic diseases. Last evaluated: 2022-11-07. Review status: criteria provided, single submitter. Criteria: Ambry Variant Classification Scheme 2023. Collection method: clinical testing. Allele origin: germline.
Comment: The p.K1643E variant (also known as c.4927A>G), located in coding exon 34 of the LRRK2 gene, results from an A to G substitution at nucleotide position 4927. The lysine at codon 1643 is replaced by glutamic acid, an amino acid with similar properties. This amino acid position is conserved. In addition, the in silico prediction for this alteration is inconclusive. Since supporting evidence is limited at this time, the clinical significance of this alteration remains unclear.

NM_198578.4(LRRK2):c.4927A>G (p.Lys1643Glu)

Gene: LRRK2 (leucine rich repeat kinase 2; plus strand). Cytogenetic location: 12q12.
Variant type: single nucleotide variant.
Coding change: c.4927A>G on transcript NM_198578.4 (MANE Select); coding-DNA position 4927, A replaced by G.
Protein change: p.Lys1643Glu; replaces lysine 1643 with glutamic acid.
Molecular consequence: missense variant.
Genome position (GRCh38, 1-based): chr12:40,320,087, A>G. VCF-style: chr12-40320087-A-G. GRCh37 (hg19) VCF-style: chr12-40713889-A-G.
Other names: p.Lys1643Glu; short protein forms K1643E.
Identifiers: ClinVar variation 2453012 (VCV002453012.3), dbSNP rs769095375, ClinGen allele CA235362115.